The following is an entry in ClinVar:

ClinVar aggregate classification (germline): Uncertain significance. Review status: criteria provided, multiple submitters, no conflicts (2 of 4 stars). 2 submissions from 2 submitters: Uncertain significance (2). Last evaluated 2021-07-09.

Conditions:
Hereditary cancer-predisposing syndrome. Also called: Hereditary neoplastic syndrome; Tumor predisposition; Neoplastic Syndromes, Hereditary; Hereditary Cancer Syndrome. Identifiers: Orphanet 140162, MedGen C0027672, MeSH D009386, MONDO:0015356.

Allele frequency attached by ClinVar (database versions not stated): gnomAD exomes below 0.00001.
gnomAD v4.1: 1 of 1,614,128 alleles (0.000062%); highest among the groups gnomAD compares: Non-Finnish European, 0.000085%; no homozygotes.

Submissions (2):

Labcorp Genetics (formerly Invitae), Labcorp
Classification: Uncertain significance. Last evaluated: 2021-07-09. Review status: criteria provided, single submitter. Criteria: Invitae Variant Classification Sherloc (09022015). Collection method: clinical testing. Allele origin: germline.
Comment: In summary, the available evidence is currently insufficient to determine the role of this variant in disease. Therefore, it has been classified as a Variant of Uncertain Significance. Algorithms developed to predict the effect of missense changes on protein structure and function are either unavailable or do not agree on the potential impact of this missense change (SIFT: "Deleterious"; PolyPhen-2: "Probably Damaging"; Align-GVGD: "Class C0"). This variant has not been reported in the literature in individuals with MSH3-related disease. This variant is not present in population databases (ExAC no frequency). This sequence change replaces alanine with threonine at codon 916 of the MSH3 protein (p.Ala916Thr). The alanine residue is moderately conserved and there is a small physicochemical difference between alanine and threonine.

Ambry Genetics
Classification: Uncertain significance for Hereditary cancer-predisposing syndrome. Last evaluated: 2021-06-30. Review status: criteria provided, single submitter. Criteria: Ambry Variant Classification Scheme 2023. Collection method: clinical testing. Allele origin: germline.
Comment: The p.A916T variant (also known as c.2746G>A), located in coding exon 20 of the MSH3 gene, results from a G to A substitution at nucleotide position 2746. The alanine at codon 916 is replaced by threonine, an amino acid with similar properties. This amino acid position is conserved. In addition, this alteration is predicted to be deleterious by in silico analysis. Since supporting evidence is limited at this time, the clinical significance of this alteration remains unclear.

NM_002439.5(MSH3):c.2746G>A (p.Ala916Thr)

Gene: MSH3 (mutS homolog 3; plus strand). Cytogenetic location: 5q14.1.
Variant type: single nucleotide variant.
Coding change: c.2746G>A on transcript NM_002439.5 (MANE Select); coding-DNA position 2746, G replaced by A.
Protein change: p.Ala916Thr; replaces alanine 916 with threonine.
Molecular consequence: missense variant.
Genome position (GRCh38, 1-based): chr5:80,813,674, G>A. VCF-style: chr5-80813674-G-A. GRCh37 (hg19) VCF-style: chr5-80109493-G-A.
Other names: short protein forms A916T.
Identifiers: ClinVar variation 656258 (VCV000656258.11), dbSNP rs1580066514, ClinGen allele CA360273990.
Genomic context (GRCh38, chr5:80,813,674, plus strand): 5'-GGACCAAACATGGGTGGAAAGAGCTCCTACATAAAACAAGTTGCATTGATTACCATCATG[G>A]CTCAGATTGGCTCCTATGTTCCTGCAGAAGAAGCGACAATTGGGATTGTGGATGGCATTT-3'
Protein context (NP_002430.3, residues 906-926): IKQVALITIM[Ala916Thr]QIGSYVPAEE